The following is an entry in ClinVar:

NM_020435.4(GJC2):c.23_24delinsAA (p.Phe8Ter)

Gene: GJC2 (gap junction protein gamma 2; plus strand). Cytogenetic location: 1q42.13.
Variant type: Indel.
Coding change: c.23_24delinsAA on transcript NM_020435.4 (MANE Select); coding-DNA positions 23 to 24, TC replaced by AA.
Protein change: p.Phe8Ter; replaces phenylalanine 8 with a stop codon.
Molecular consequence: nonsense.
Genome position (GRCh38, 1-based): chr1:228,157,781-228,157,782, TC replaced by AA. VCF-style: chr1-228157781-TC-AA. GRCh37 (hg19) VCF-style: chr1-228345482-TC-AA.
Other names: c.23_24delTCinsAA (NM_020435.3); c.23_24delinsAA (NM_020435.3); short protein forms F8*.
Identifiers: ClinVar variation 817577 (VCV000817577.4), dbSNP rs1571907365, ClinGen allele CA915942050.

ClinVar aggregate classification (germline): Pathogenic. Review status: criteria provided, multiple submitters, no conflicts (2 of 4 stars). 2 submissions from 2 submitters: Pathogenic (2). Last evaluated 2025-11-12.

Conditions:
Leukodystrophy, hypomyelinating, 2. Also called: PELIZAEUS-MERZBACHER-LIKE DISEASE, 1. Identifiers: Orphanet 280270, Orphanet 280282, MedGen C1837355, MONDO:0012125, OMIM 608804.

Submissions (2):

Women's Health and Genetics/Laboratory Corporation of America, LabCorp
Classification: Pathogenic for Leukodystrophy, hypomyelinating, 2. Last evaluated: 2025-11-12. Review status: criteria provided, single submitter. Criteria: LabCorp Variant Classification Summary - May 2015. Collection method: clinical testing. Allele origin: germline.
Comment: Variant summary: GJC2 c.23_24delinsAA (p.Phe8X) results in a premature termination codon, predicted to cause a truncation of the encoded protein or absence of the protein due to nonsense mediated decay, which are commonly known mechanisms for disease. Pathogenic variants have been observed downstream. The variant was absent in 188754 control chromosomes. To our knowledge, no occurrence of c.23_24delinsAA in individuals affected with GJC2-related conditions and no experimental evidence demonstrating its impact on protein function have been reported. ClinVar contains an entry for this variant (Variation ID: 817577). Based on the evidence outlined above, the variant was classified as pathogenic.

GeneDx
Classification: Pathogenic. Last evaluated: 2025-09-30. Review status: criteria provided, single submitter. Criteria: GeneDx Variant Classification Process June 2021. Collection method: clinical testing. Allele origin: germline. Affected: yes.
Comment: Nonsense variant predicted to result in protein truncation or nonsense mediated decay in a gene for which loss of function is a known mechanism of disease; Not observed at significant frequency in large population cohorts (gnomAD); Has not been previously published as pathogenic or benign to our knowledge